The following is an entry in ClinVar:

NM_000520.6(HEXA):c.1209G>T (p.Glu403Asp)

Gene: HEXA (hexosaminidase subunit alpha; minus strand). Cytogenetic location: 15q23.
Variant type: single nucleotide variant.
Coding change: c.1209G>T on transcript NM_000520.6 (MANE Select); coding-DNA position 1209, G replaced by T.
Protein change: p.Glu403Asp; replaces glutamic acid 403 with aspartic acid.
Molecular consequence: missense variant.
Genome position (GRCh38, 1-based): chr15:72,346,648, C>A on the plus strand (G>T on the coding strand, the complement: HEXA is on the minus strand). VCF-style: chr15-72346648-C-A. GRCh37 (hg19) VCF-style: chr15-72638989-C-A.
Other names: c.1242G>T, p.Glu414Asp (NM_001318825.2); short protein forms E403D, E414D.
Identifiers: ClinVar variation 2168889 (VCV002168889.4), dbSNP rs2542514542, ClinGen allele CA393061103.

ClinVar aggregate classification (germline): Uncertain significance (1 of 4 stars; one submission).

Conditions:
Tay-Sachs disease (TSD). Also called: GM2 gangliosidosis, type 1; Hexosaminidase alpha-subunit deficiency (variant B); Sphingolipidosis, Tay-Sachs; Hexosaminidase A Deficiency; HEXA DEFICIENCY; HEXA Disorders. Identifiers: Orphanet 845, MedGen C0039373, MONDO:0010100, OMIM 272800.

Submission:

Labcorp Genetics (formerly Invitae), Labcorp
Classification: Uncertain significance for Tay-Sachs disease. Last evaluated: 2022-07-12. Review status: criteria provided, single submitter. Criteria: Invitae Variant Classification Sherloc (09022015). Collection method: clinical testing. Allele origin: germline.
Comment: This sequence change replaces glutamic acid, which is acidic and polar, with aspartic acid, which is acidic and polar, at codon 403 of the HEXA protein (p.Glu403Asp). This variant is not present in population databases (gnomAD no frequency). In summary, the available evidence is currently insufficient to determine the role of this variant in disease. Therefore, it has been classified as a Variant of Uncertain Significance. Algorithms developed to predict the effect of missense changes on protein structure and function are either unavailable or do not agree on the potential impact of this missense change (SIFT: "Tolerated"; PolyPhen-2: "Probably Damaging"; Align-GVGD: "Class C0"). This variant has not been reported in the literature in individuals affected with HEXA-related conditions.